The following is an entry in ClinVar:

NM_015100.4(POGZ):c.1709A>G (p.Glu570Gly)

Gene: POGZ (pogo transposable element derived with ZNF domain; minus strand). Cytogenetic location: 1q21.3.
Variant type: single nucleotide variant.
Coding change: c.1709A>G on transcript NM_015100.4 (MANE Select); coding-DNA position 1709, A replaced by G.
Protein change: p.Glu570Gly; replaces glutamic acid 570 with glycine.
Molecular consequence: missense variant.
Genome position (GRCh38, 1-based): chr1:151,412,366, T>C on the plus strand (A>G on the coding strand, the complement: POGZ is on the minus strand). VCF-style: chr1-151412366-T-C. GRCh37 (hg19) VCF-style: chr1-151384842-T-C.
Other names: c.1682A>G, p.Glu561Gly (NM_001194937.2); c.1523A>G, p.Glu508Gly (NM_001194938.2); c.1730A>G, p.Glu577Gly (NM_001410860.1); c.1424A>G, p.Glu475Gly (NM_145796.4); c.1550A>G, p.Glu517Gly (NM_207171.2); short protein forms E475G, E508G, E517G, E561G, E570G, E577G.
Identifiers: ClinVar variation 4292973 (VCV004292973.1).

ClinVar aggregate classification (germline): Uncertain significance (1 of 4 stars; one submission).

Conditions:
Intellectual disability-microcephaly-strabismus-behavioral abnormalities syndrome. Also called: White-Sutton Syndrome. Identifiers: Orphanet 468678, MedGen C4225351, MONDO:0014606, OMIM 616364.

Submission:

3billion
Classification: Uncertain significance for Intellectual disability-microcephaly-strabismus-behavioral abnormalities syndrome. Last evaluated: 2025-01-09. Review status: criteria provided, single submitter. Criteria: ACMG Guidelines, 2015. Collection method: clinical testing. Allele origin: germline. Affected: yes.
Comment: The variant is not observed in the gnomAD v4.1.0 dataset. Predicted Consequence/Location: Missense variant In silico tool predictions suggest damaging effect of the variant on gene or gene product [3Cnet: 0.87 (>=0.6, sensitivity 0.72 and precision 0.9)]. Therefore, this variant is classified as VUS according to the recommendation of ACMG/AMP guideline.